The following is an entry in ClinVar:

ClinVar aggregate classification (germline): Uncertain significance (1 of 4 stars; one submission).

Conditions:
Amyotrophic lateral sclerosis type 8 (ALS8). Identifiers: Orphanet 803, MedGen C1837728, MONDO:0012077, OMIM 608627.
Adult-onset proximal spinal muscular atrophy, autosomal dominant. Also called: Spinal muscular atrophy, late-onset, finkel type; FINKEL LATE-ADULT TYPE SMA. Identifiers: Orphanet 209335, MedGen C1854058, MONDO:0008453, OMIM 182980.

Submission:

Labcorp Genetics (formerly Invitae), Labcorp
Classification: Uncertain significance for Adult-onset proximal spinal muscular atrophy, autosomal dominant; Amyotrophic lateral sclerosis type 8. Last evaluated: 2023-01-17. Review status: criteria provided, single submitter. Criteria: Invitae Variant Classification Sherloc (09022015). Collection method: clinical testing. Allele origin: germline.
Comment: This sequence change replaces histidine, which is basic and polar, with glutamine, which is neutral and polar, at codon 86 of the VAPB protein (p.His86Gln). This variant is not present in population databases (gnomAD no frequency). This variant has not been reported in the literature in individuals affected with VAPB-related conditions. Advanced modeling of protein sequence and biophysical properties (such as structural, functional, and spatial information, amino acid conservation, physicochemical variation, residue mobility, and thermodynamic stability) performed at Invitae indicates that this missense variant is expected to disrupt VAPB protein function. In summary, the available evidence is currently insufficient to determine the role of this variant in disease. Therefore, it has been classified as a Variant of Uncertain Significance.

NM_004738.5(VAPB):c.258C>A (p.His86Gln)

Gene: VAPB (VAMP associated protein B and C; plus strand). Cytogenetic location: 20q13.32.
Variant type: single nucleotide variant.
Coding change: c.258C>A on transcript NM_004738.5 (MANE Select); coding-DNA position 258, C replaced by A.
Protein change: p.His86Gln; replaces histidine 86 with glutamine.
Molecular consequence: missense variant. On other transcripts: intron variant (1).
Genome position (GRCh38, 1-based): chr20:58,434,648, C>A. VCF-style: chr20-58434648-C-A. GRCh37 (hg19) VCF-style: chr20-57009704-C-A.
Other names: c.212-9429C>A (NM_001195677.2); short protein forms H86Q.
Identifiers: ClinVar variation 2943309 (VCV002943309.3), dbSNP rs759109378, ClinGen allele CA409439149.